The following is an entry in ClinVar:

NM_001364171.2(ODAD1):c.346G>C (p.Ala116Pro)

Gene: ODAD1 (outer dynein arm docking complex subunit 1; minus strand). Cytogenetic location: 19q13.33.
Variant type: single nucleotide variant.
Coding change: c.346G>C on transcript NM_001364171.2 (MANE Select); coding-DNA position 346, G replaced by C.
Protein change: p.Ala116Pro; replaces alanine 116 with proline.
Molecular consequence: missense variant.
Genome position (GRCh38, 1-based): chr19:48,318,401, C>G on the plus strand (G>C on the coding strand, the complement: ODAD1 is on the minus strand). VCF-style: chr19-48318401-C-G. GRCh37 (hg19) VCF-style: chr19-48821658-C-G.
Other names: c.235G>C, p.Ala79Pro (NM_144577.4); short protein forms A79P, A116P.
Identifiers: ClinVar variation 406189 (VCV000406189.7), dbSNP rs1060500991, ClinGen allele CA16616088.

ClinVar aggregate classification (germline): Uncertain significance (1 of 4 stars; one submission).

Conditions:
Primary ciliary dyskinesia. Also called: Ciliary dyskinesia. Identifiers: Orphanet 244, MedGen C0008780, MONDO:0016575, HP:0012265.

Submission:

Labcorp Genetics (formerly Invitae), Labcorp
Classification: Uncertain significance for Primary ciliary dyskinesia. Last evaluated: 2016-05-02. Review status: criteria provided, single submitter. Criteria: Invitae Variant Classification Sherloc (09022015). Collection method: clinical testing. Allele origin: germline.
Comment: This sequence change replaces alanine with proline at codon 79 of the CCDC114 protein (p.Ala79Pro). The alanine residue is moderately conserved and there is a small physicochemical difference between alanine and proline. This variant is not present in population databases (ExAC no frequency) and has not been reported in the literature in individuals with a CCDC114-related disease. Algorithms developed to predict the effect of missense changes on protein structure and function do not agree on the potential impact of this missense change (SIFT: "Tolerated"; PolyPhen-2: "Probably Damaging"; Align-GVGD: "Class C0"). In summary, this variant is a novel missense change with uncertain impact on protein function. It has been classified as a Variant of Uncertain Significance.